The following is an entry in ClinVar:

NM_022765.4(MICAL1):c.466+5G>A

Gene: MICAL1 (microtubule associated monooxygenase, calponin and LIM domain containing 1; minus strand). Cytogenetic location: 6q21.
Variant type: single nucleotide variant.
Coding change: c.466+5G>A on transcript NM_022765.4 (MANE Select); 5 bases into the intron after coding-DNA position 466, G replaced by A.
Molecular consequence: intron variant.
Genome position (GRCh38, 1-based): chr6:109,453,633, C>T on the plus strand (G>A on the coding strand, the complement: MICAL1 is on the minus strand). VCF-style: chr6-109453633-C-T. GRCh37 (hg19) VCF-style: chr6-109774836-C-T.
Other names: c.523+5G>A (NM_001286613.2); c.466+5G>A (NM_001159291.2).
Identifiers: ClinVar variation 1394770 (VCV001394770.6), dbSNP rs2115338941, ClinGen allele CA2573140385.

ClinVar aggregate classification (germline): Uncertain significance (1 of 4 stars; one submission).

Submission:

Labcorp Genetics (formerly Invitae), Labcorp
Classification: Uncertain significance. Last evaluated: 2025-10-07. Review status: criteria provided, single submitter. Criteria: Invitae Variant Classification Sherloc (09022015). Collection method: clinical testing. Allele origin: germline.
Comment: This sequence change falls in intron 3 of the MICAL1 gene. It does not directly change the encoded amino acid sequence of the MICAL1 protein. It affects a nucleotide within the consensus splice site. This variant is not present in population databases (gnomAD no frequency). This variant has not been reported in the literature in individuals affected with MICAL1-related conditions. ClinVar contains an entry for this variant (Variation ID: 1394770). Variants that disrupt the consensus splice site are a relatively common cause of aberrant splicing (PMID: 17576681, 9536098). Algorithms developed to predict the effect of sequence changes on RNA splicing suggest that this variant may disrupt the consensus splice site. In summary, the available evidence is currently insufficient to determine the role of this variant in disease. Therefore, it has been classified as a Variant of Uncertain Significance.

Literature cited by the submitters: PubMed 17576681; PubMed 9536098.